The following is an entry in ClinVar:

NM_000368.5(TSC1):c.1270A>C (p.Arg424=)

Gene: TSC1 (TSC complex subunit 1; minus strand). Cytogenetic location: 9q34.13.
Variant type: single nucleotide variant.
Coding change: c.1270A>C on transcript NM_000368.5 (MANE Select); coding-DNA position 1270, A replaced by C.
Protein change: p.Arg424=; no amino-acid change (arginine 424 retained).
Molecular consequence: synonymous variant.
Genome position (GRCh38, 1-based): chr9:132,907,364, T>G on the plus strand (A>C on the coding strand, the complement: TSC1 is on the minus strand). VCF-style: chr9-132907364-T-G. GRCh37 (hg19) VCF-style: chr9-135782751-T-G.
Other names: c.1270A>C (NM_000368.4); c.1267A>C, p.Arg423= (NM_001162426.2); c.1117A>C, p.Arg373= (NM_001162427.2); c.907A>C, p.Arg303= (NM_001362177.2).
Identifiers: ClinVar variation 1624847 (VCV001624847.10), dbSNP rs1845728736, ClinGen allele CA467592312.
Genomic context (GRCh38, chr9:132,907,364, plus strand): 5'-ATCCTCTGTCATTCAGAAGATGGTGTTGTCTGTGTAGACATGGTCTTGCAGAATCCATTC[T>G]CTCTTCCTGAAAAGATAAGTATCATTTATATCACAAGACGAAAAATGTTGCACATGTTCT-3'
Protein context (NP_000359.1, residues 414-434): ATVTPPRKEE[Arg424=]MDSARPCLHR

ClinVar aggregate classification (germline): Benign/Likely benign. Review status: criteria provided, multiple submitters, no conflicts (2 of 4 stars). 3 submissions from 3 submitters: Benign (1); Likely benign (2). Last evaluated 2025-04-09.

Conditions:
Hereditary cancer-predisposing syndrome. Also called: Hereditary Cancer Syndrome; Tumor predisposition; Neoplastic Syndromes, Hereditary; Hereditary neoplastic syndrome. Identifiers: Orphanet 140162, MedGen C0027672, MeSH D009386, MONDO:0015356.
Tuberous sclerosis 1 (TSC1). Identifiers: Orphanet 805, MedGen C1854465, MONDO:0008612, OMIM 191100.

Submissions (3):

Myriad Genetics, Inc.
Classification: Benign for Tuberous sclerosis 1. Last evaluated: 2025-04-09. Review status: criteria provided, single submitter. Criteria: Myriad Autosomal Dominant, Autosomal Recessive and X-Linked Classification Criteria (2023). Collection method: clinical testing. Allele origin: unknown.
Comment: This variant is considered benign. This variant is a silent/synonymous amino acid change and it is not expected to impact splicing.

Labcorp Genetics (formerly Invitae), Labcorp
Classification: Likely benign for Tuberous sclerosis 1. Last evaluated: 2025-03-24. Review status: criteria provided, single submitter. Criteria: Invitae Variant Classification Sherloc (09022015). Collection method: clinical testing. Allele origin: germline.

Ambry Genetics
Classification: Likely benign for Hereditary cancer-predisposing syndrome. Last evaluated: 2024-05-08. Review status: criteria provided, single submitter. Criteria: Ambry Variant Classification Scheme 2023. Collection method: clinical testing. Allele origin: germline.